The following is an entry in ClinVar:

ClinVar aggregate classification (germline): Uncertain significance (1 of 4 stars; one submission).

Submission:

GeneDx
Classification: Uncertain significance. Last evaluated: 2023-05-25. Review status: criteria provided, single submitter. Criteria: GeneDx Variant Classification Process June 2021. Collection method: clinical testing. Allele origin: germline. Affected: yes.
Comment: Not observed at significant frequency in large population cohorts (gnomAD); In silico analysis supports that this missense variant has a deleterious effect on protein structure/function; Has not been previously published as pathogenic or benign to our knowledge; Variants in candidate genes are classified as variants of uncertain significance in accordance with ACMG guidelines (Richards et al., 2015)

NM_001357.5(DHX9):c.2113G>A (p.Gly705Arg)

Gene: DHX9 (DExH-box helicase 9; plus strand). Cytogenetic location: 1q25.3.
Variant type: single nucleotide variant.
Coding change: c.2113G>A on transcript NM_001357.5 (MANE Select); coding-DNA position 2113, G replaced by A.
Protein change: p.Gly705Arg; replaces glycine 705 with arginine.
Molecular consequence: missense variant. On other transcripts: non-coding transcript variant (1).
Genome position (GRCh38, 1-based): chr1:182,876,530, G>A. VCF-style: chr1-182876530-G-A. GRCh37 (hg19) VCF-style: chr1-182845665-G-A.
Other names: short protein forms G705R.
Identifiers: ClinVar variation 3343795 (VCV003343795.1).
Genomic context (GRCh38, chr1:182,876,530, plus strand): 5'-CCCCTGCATTCTCAGATTCCTCGAGAGGAACAGCGCAAAGTGTTTGATCCAGTACCAGTT[G>A]GAGTAACCAAGGTAAATATTAAACATTAGAGTGATGGGATTGGAAGTGACGTAGATACTA-3'
Protein context (NP_001348.2, residues 695-715): QRKVFDPVPV[Gly705Arg]VTKVILSTNI